The following is an entry in ClinVar:

ClinVar aggregate classification (germline): Conflicting classifications of pathogenicity. Review status: criteria provided, conflicting classifications (1 of 4 stars). 3 submissions from 3 submitters: Uncertain significance (2); Likely benign (1). Last evaluated 2025-12-09.

Conditions:
Inborn genetic diseases. Identifiers: MedGen C0950123, MeSH D030342.
Diastrophic dysplasia (DTD). Also called: Diastrophic dwarfism. Identifiers: Orphanet 628, MedGen C0220726, MONDO:0009107, OMIM 222600.
Multiple epiphyseal dysplasia type 4 (EDM4). Also called: MULTIPLE EPIPHYSEAL DYSPLASIA WITH BILAYERED PATELLAE; MULTIPLE EPIPHYSEAL DYSPLASIA WITH CLUBFOOT; MULTIPLE EPIPHYSEAL DYSPLASIA, AUTOSOMAL RECESSIVE; Multiple Epiphyseal Dysplasia, Recessive; SLC26A2-Related Multiple Epiphyseal Dysplasia. Identifiers: Orphanet 93307, MedGen C1847593, MONDO:0009189, OMIM 226900.
Atelosteogenesis type II (AO2). Also called: NEONATAL OSSEOUS DYSPLASIA I; Neonatal osseous dysplasia 1; SLC26A2-Related Atelosteogenesis. Identifiers: Orphanet 56304, MedGen C1850554, MONDO:0009727, OMIM 256050.
Achondrogenesis, type IB (ACG1B). Also called: Achondrogenesis Type 1B. Identifiers: Orphanet 932, Orphanet 93298, MedGen C0265274, MONDO:0010966, OMIM 600972.

Allele frequency attached by ClinVar (database versions not stated): TOPMed 0.00001; gnomAD 0.00002; gnomAD exomes 0.00010; ExAC 0.00014.
gnomAD v4.1: 83 of 1,614,044 alleles (0.0051%); highest among the groups gnomAD compares: South Asian, 0.066%; no homozygotes.

Submissions (3):

Ambry Genetics
Classification: Uncertain significance for Inborn genetic diseases. Last evaluated: 2025-12-09. Review status: criteria provided, single submitter. Criteria: Ambry Variant Classification Scheme 2023. Collection method: clinical testing. Allele origin: germline.

Labcorp Genetics (formerly Invitae), Labcorp
Classification: Likely benign for Atelosteogenesis type II; Multiple epiphyseal dysplasia type 4; Achondrogenesis, type IB; Diastrophic dysplasia. Last evaluated: 2025-09-29. Review status: criteria provided, single submitter. Criteria: Invitae Variant Classification Sherloc (09022015). Collection method: clinical testing. Allele origin: germline.

GeneDx
Classification: Uncertain significance. Last evaluated: 2020-01-21. Review status: criteria provided, single submitter. Criteria: GeneDx Variant Classification Process June 2021. Collection method: clinical testing. Allele origin: germline. Affected: yes.
Comment: Has not been previously published as pathogenic or benign to our knowledge; In silico analysis, which includes protein predictors and evolutionary conservation, supports that this variant does not alter protein structure/function

NM_000112.4(SLC26A2):c.196T>C (p.Phe66Leu)

Gene: SLC26A2 (solute carrier family 26 member 2; plus strand). Cytogenetic location: 5q32.
Variant type: single nucleotide variant.
Coding change: c.196T>C on transcript NM_000112.4 (MANE Select); coding-DNA position 196, T replaced by C.
Protein change: p.Phe66Leu; replaces phenylalanine 66 with leucine.
Molecular consequence: missense variant.
Genome position (GRCh38, 1-based): chr5:149,977,848, T>C. VCF-style: chr5-149977848-T-C. GRCh37 (hg19) VCF-style: chr5-149357411-T-C.
Other names: short protein forms F66L.
Identifiers: ClinVar variation 1108591 (VCV001108591.11), dbSNP rs200981220, ClinGen allele CA3505218.